The following is an entry in ClinVar:

ClinVar aggregate classification (germline): Uncertain significance (1 of 4 stars; one submission).

Submission:

Labcorp Genetics (formerly Invitae), Labcorp
Classification: Uncertain significance. Last evaluated: 2022-06-30. Review status: criteria provided, single submitter. Criteria: Invitae Variant Classification Sherloc (09022015). Collection method: clinical testing. Allele origin: germline.
Comment: In summary, the available evidence is currently insufficient to determine the role of this variant in disease. Therefore, it has been classified as a Variant of Uncertain Significance. Algorithms developed to predict the effect of missense changes on protein structure and function (SIFT, PolyPhen-2, Align-GVGD) all suggest that this variant is likely to be disruptive. This variant has not been reported in the literature in individuals affected with SETBP1-related conditions. This variant is not present in population databases (gnomAD no frequency). This sequence change replaces lysine, which is basic and polar, with arginine, which is basic and polar, at codon 675 of the SETBP1 protein (p.Lys675Arg).

NM_015559.3(SETBP1):c.2024A>G (p.Lys675Arg)

Gene: SETBP1 (SET binding protein 1; plus strand). Cytogenetic location: 18q12.3.
Variant type: single nucleotide variant.
Coding change: c.2024A>G on transcript NM_015559.3 (MANE Select); coding-DNA position 2024, A replaced by G.
Protein change: p.Lys675Arg; replaces lysine 675 with arginine.
Molecular consequence: missense variant.
Genome position (GRCh38, 1-based): chr18:44,951,364, A>G. VCF-style: chr18-44951364-A-G. GRCh37 (hg19) VCF-style: chr18-42531329-A-G.
Other names: c.2024A>G, p.Lys675Arg (NM_001379141.1, NM_001379142.1, NM_001410862.1); short protein forms K675R.
Identifiers: ClinVar variation 2012539 (VCV002012539.4), dbSNP rs2511470233, ClinGen allele CA402320217.